The following is an entry in ClinVar:

ClinVar aggregate classification (germline): Uncertain significance. Review status: criteria provided, multiple submitters, no conflicts (2 of 4 stars). 2 submissions from 2 submitters: Uncertain significance (2). Last evaluated 2025-12-24.

Allele frequency attached by ClinVar (database versions not stated): TOPMed below 0.00001; gnomAD exomes 0.00004.
gnomAD v4.1: 23 of 1,610,778 alleles (0.0014%); highest among the groups gnomAD compares: Non-Finnish European, 0.0019%; no homozygotes.

Submissions (2):

Labcorp Genetics (formerly Invitae), Labcorp
Classification: Uncertain significance. Last evaluated: 2025-12-24. Review status: criteria provided, single submitter. Criteria: Invitae Variant Classification Sherloc (09022015). Collection method: clinical testing. Allele origin: germline.
Comment: This sequence change replaces phenylalanine, which is neutral and non-polar, with leucine, which is neutral and non-polar, at codon 325 of the IRF2BP2 protein (p.Phe325Leu). This variant is present in population databases (no rsID available, gnomAD 0.002%). This variant has not been reported in the literature in individuals affected with IRF2BP2-related conditions. ClinVar contains an entry for this variant (Variation ID: 1920128). An algorithm developed to predict the effect of missense changes on protein structure and function (PolyPhen-2) suggests that this variant is likely to be disruptive. In summary, the available evidence is currently insufficient to determine the role of this variant in disease. Therefore, it has been classified as a Variant of Uncertain Significance.

Ambry Genetics
Classification: Uncertain significance. Last evaluated: 2025-10-08. Review status: criteria provided, single submitter. Criteria: Ambry Variant Classification Scheme 2023. Collection method: clinical testing. Allele origin: germline.

NM_182972.3(IRF2BP2):c.975T>G (p.Phe325Leu)

Genes: IRF2BP2 (interferon regulatory factor 2 binding protein 2; minus strand), LOC129932810 (ATAC-STARR-seq lymphoblastoid active region 2760; plus strand). Cytogenetic location: 1q42.3.
Variant type: single nucleotide variant.
Coding change: c.975T>G on transcript NM_182972.3 (MANE Select); coding-DNA position 975, T replaced by G.
Protein change: p.Phe325Leu; replaces phenylalanine 325 with leucine.
Molecular consequence: missense variant.
Genome position (GRCh38, 1-based): chr1:234,608,520, A>C on the plus strand (T>G on the coding strand, the complement: IRF2BP2 is on the minus strand). VCF-style: chr1-234608520-A-C. GRCh37 (hg19) VCF-style: chr1-234744266-A-C.
Other names: c.975T>G (NM_182972.2); c.975T>G, p.Phe325Leu (NM_001077397.1); short protein forms F325L.
Identifiers: ClinVar variation 1920128 (VCV001920128.6), dbSNP rs982459526, ClinGen allele CA39545982.
Genomic context (GRCh38, chr1:234,608,520, plus strand): 5'-GTTGGCCCCGTTGGCCTCGAAACCCAACAACCTGCCTGCAGTCAGGGCCGGCTCCTTCTT[A>C]AACTTGCTCTCGAAGGGCCCCGAGTGGCCGTGCTGGTGCAGCGCCAGCAGCGTGTCGCGC-3'
Protein context (NP_892017.2, residues 315-335): HGHSGPFESK[Phe325Leu]KKEPALTAGR